The following is an entry in ClinVar:

ClinVar aggregate classification (germline): Uncertain significance (1 of 4 stars; one submission).

Conditions:
Hereditary cancer-predisposing syndrome. Also called: Neoplastic Syndromes, Hereditary; Tumor predisposition; Hereditary neoplastic syndrome; Hereditary Cancer Syndrome. Identifiers: Orphanet 140162, MedGen C0027672, MeSH D009386, MONDO:0015356.

Submission:

Ambry Genetics
Classification: Uncertain significance for Hereditary cancer-predisposing syndrome. Last evaluated: 2023-12-14. Review status: criteria provided, single submitter. Criteria: Ambry Variant Classification Scheme 2023. Collection method: clinical testing. Allele origin: germline.
Comment: The p.S342T variant (also known as c.1025G>C), located in coding exon 7 of the BRIP1 gene, results from a G to C substitution at nucleotide position 1025. The serine at codon 342 is replaced by threonine, an amino acid with similar properties. This amino acid position is conserved. In addition, this alteration is predicted to be tolerated by in silico analysis. Since supporting evidence is limited at this time, the clinical significance of this alteration remains unclear.

NM_032043.3(BRIP1):c.1025G>C (p.Ser342Thr)

Gene: BRIP1 (BRCA1 interacting DNA helicase 1; minus strand). Cytogenetic location: 17q23.2.
Variant type: single nucleotide variant.
Coding change: c.1025G>C on transcript NM_032043.3 (MANE Select); coding-DNA position 1025, G replaced by C.
Protein change: p.Ser342Thr; replaces serine 342 with threonine.
Molecular consequence: missense variant.
Genome position (GRCh38, 1-based): chr17:61,801,368, C>G on the plus strand (G>C on the coding strand, the complement: BRIP1 is on the minus strand). VCF-style: chr17-61801368-C-G. GRCh37 (hg19) VCF-style: chr17-59878729-C-G.
Other names: short protein forms S342T.
Identifiers: ClinVar variation 3228077 (VCV003228077.1), dbSNP rs2145337284, ClinGen allele CA400484087.